The following is an entry in ClinVar:

ClinVar aggregate classification (germline): Uncertain significance. Review status: criteria provided, multiple submitters, no conflicts (2 of 4 stars). 2 submissions from 2 submitters: Uncertain significance (2). Last evaluated 2023-08-11.

Conditions:
Cardiovascular phenotype. Identifiers: MedGen CN230736.
Anterior segment dysgenesis. Also called: Ocular anterior segment dysgenesis. Identifiers: Orphanet 88632, MedGen C1862839, MONDO:0019503, HP:0007700.
Congenital primary aphakia. Also called: Anterior segment dysgenesis 2, multiple subtypes; ANTERIOR SEGMENT DYSGENESIS 2. Identifiers: Orphanet 83461, MedGen C1853230, MONDO:0012456, OMIM 610256.

Allele frequency attached by ClinVar (database versions not stated): gnomAD 0.00001.

Submissions (2):

Labcorp Genetics (formerly Invitae), Labcorp
Classification: Uncertain significance for Anterior segment dysgenesis; Congenital primary aphakia. Last evaluated: 2023-08-11. Review status: criteria provided, single submitter. Criteria: Invitae Variant Classification Sherloc (09022015). Collection method: clinical testing. Allele origin: germline.
Comment: This variant is present in population databases (no rsID available, gnomAD 0.003%). In summary, the available evidence is currently insufficient to determine the role of this variant in disease. Therefore, it has been classified as a Variant of Uncertain Significance. An algorithm developed to predict the effect of missense changes on protein structure and function (PolyPhen-2) suggests that this variant is likely to be tolerated. ClinVar contains an entry for this variant (Variation ID: 2156711). This variant has not been reported in the literature in individuals affected with FOXE3-related conditions. This sequence change replaces arginine, which is basic and polar, with serine, which is neutral and polar, at codon 275 of the FOXE3 protein (p.Arg275Ser).

Ambry Genetics
Classification: Uncertain significance for Cardiovascular phenotype. Last evaluated: 2023-01-07. Review status: criteria provided, single submitter. Criteria: Ambry Variant Classification Scheme 2023. Collection method: clinical testing. Allele origin: germline.
Comment: The p.R275S variant (also known as c.823C>A), located in coding exon 1 of the FOXE3 gene, results from a C to A substitution at nucleotide position 823. The arginine at codon 275 is replaced by serine, an amino acid with dissimilar properties. This amino acid position is conserved. In addition, this alteration is predicted to be tolerated by in silico analysis. Since supporting evidence is limited at this time, the clinical significance of this alteration remains unclear.

NM_012186.3(FOXE3):c.823C>A (p.Arg275Ser)

Genes: FOXE3 (forkhead box E3; plus strand), LINC01389 (long independently transcribed non-coding RNA 1389; minus strand). Cytogenetic location: 1p33.
Variant type: single nucleotide variant.
Coding change: c.823C>A on transcript NM_012186.3 (MANE Select); coding-DNA position 823, C replaced by A.
Protein change: p.Arg275Ser; replaces arginine 275 with serine.
Molecular consequence: missense variant.
Genome position (GRCh38, 1-based): chr1:47,417,138, C>A. VCF-style: chr1-47417138-C-A. GRCh37 (hg19) VCF-style: chr1-47882810-C-A.
Other names: c.823C>A (NM_012186.2); short protein forms R275S.
Identifiers: ClinVar variation 2156711 (VCV002156711.6), dbSNP rs1368741715, ClinGen allele CA340250794.
Genomic context (GRCh38, chr1:47,417,138, plus strand): 5'-GCCGCCGCCTCCCCGCCACTCTACTCGCAGGTCCCCGACCGCCTGGTACTGCCCGCGACG[C>A]GCCCCGGCCCCGGCCCGCTGCCCGCTGAGCCCCTCCTGGCCTTGGCCGGGCCGGCAGCCG-3'
Protein context (NP_036318.1, residues 265-285): VPDRLVLPAT[Arg275Ser]PGPGPLPAEP